The following is an entry in ClinVar:

ClinVar aggregate classification (germline): Uncertain significance. Review status: criteria provided, multiple submitters, no conflicts (2 of 4 stars). 2 submissions from 2 submitters: Uncertain significance (2). Last evaluated 2025-12-17.

Conditions:
Inborn genetic diseases. Identifiers: MedGen C0950123, MeSH D030342.
Glutamate formiminotransferase deficiency. Also called: Arakawa syndrome 1; Formiminoglutamic aciduria. Identifiers: Orphanet 51208, MedGen C0268609, MONDO:0009240, OMIM 229100.

Allele frequency attached by ClinVar (database versions not stated): gnomAD exomes 0.00017 and 0.00025; ExAC 0.00025; ESP Exome Variant Server 0.00039; 1000 Genomes Project 0.00040; TOPMed 0.00052; gnomAD 0.00061 and 0.00065; 1000 Genomes Project 30x 0.00062.
gnomAD v4.1: 332 of 1,589,234 alleles (0.021%); highest among the groups gnomAD compares: African/African-American, 0.16%; no homozygotes.

Submissions (2):

Labcorp Genetics (formerly Invitae), Labcorp
Classification: Uncertain significance for Glutamate formiminotransferase deficiency. Last evaluated: 2025-12-17. Review status: criteria provided, single submitter. Criteria: Invitae Variant Classification Sherloc (09022015). Collection method: clinical testing. Allele origin: germline.
Comment: This sequence change replaces alanine, which is neutral and non-polar, with valine, which is neutral and non-polar, at codon 455 of the FTCD protein (p.Ala455Val). This variant is present in population databases (rs61735840, gnomAD 0.2%). This variant has not been reported in the literature in individuals affected with FTCD-related conditions. ClinVar contains an entry for this variant (Variation ID: 666112). Invitae Evidence Modeling of protein sequence and biophysical properties (such as structural, functional, and spatial information, amino acid conservation, physicochemical variation, residue mobility, and thermodynamic stability) indicates that this missense variant is not expected to disrupt FTCD protein function with a negative predictive value of 80%. In summary, the available evidence is currently insufficient to determine the role of this variant in disease. Therefore, it has been classified as a Variant of Uncertain Significance.

Ambry Genetics
Classification: Uncertain significance for Inborn genetic diseases. Last evaluated: 2022-05-06. Review status: criteria provided, single submitter. Criteria: Ambry Variant Classification Scheme 2023. Collection method: clinical testing. Allele origin: germline.

NM_206965.2(FTCD):c.1364C>T (p.Ala455Val)

Gene: FTCD (formimidoyltransferase cyclodeaminase; minus strand). Cytogenetic location: 21q22.3.
Variant type: single nucleotide variant.
Coding change: c.1364C>T on transcript NM_206965.2 (MANE Select); coding-DNA position 1364, C replaced by T.
Protein change: p.Ala455Val; replaces alanine 455 with valine.
Molecular consequence: missense variant.
Genome position (GRCh38, 1-based): chr21:46,138,587, G>A on the plus strand (C>T on the coding strand, the complement: FTCD is on the minus strand). VCF-style: chr21-46138587-G-A. GRCh37 (hg19) VCF-style: chr21-47558501-G-A.
Other names: c.1364C>T, p.Ala455Val (NM_001320412.2, NM_006657.3); c.1364C>T (NM_006657.2); short protein forms A455V.
Identifiers: ClinVar variation 666112 (VCV000666112.10), dbSNP rs61735840, ClinGen allele CA10073468.